The following is an entry in ClinVar:

NM_017852.5(NLRP2):c.2754A>G (p.Thr918=)

Gene: NLRP2 (NLR family pyrin domain containing 2; plus strand). Cytogenetic location: 19q13.42.
Variant type: single nucleotide variant.
Coding change: c.2754A>G on transcript NM_017852.5 (MANE Select); coding-DNA position 2754, A replaced by G.
Protein change: p.Thr918=; no amino-acid change (threonine 918 retained).
Molecular consequence: synonymous variant. On other transcripts: non-coding transcript variant (1).
Genome position (GRCh38, 1-based): chr19:54,994,314, A>G. VCF-style: chr19-54994314-A-G. GRCh37 (hg19) VCF-style: chr19-55505682-A-G.
Other names: c.2754A>G, p.Thr918= (NM_001174081.3); c.2688A>G, p.Thr896= (NM_001174082.3); c.2685A>G, p.Thr895= (NM_001174083.2); c.2745A>G, p.Thr915= (NM_001348003.2).
Identifiers: ClinVar variation 3051156 (VCV003051156.2), dbSNP rs762054536, ClinGen allele CA310113700.

ClinVar aggregate classification (germline): Likely benign (0 of 4 stars; one submission).

Conditions:
NLRP2-related disorder. Also called: NLRP2-related condition.

Allele frequency attached by ClinVar (database versions not stated): ExAC 0.00002; gnomAD 0.00002; gnomAD exomes 0.00004; TOPMed 0.00006.
gnomAD v4.1: 27 of 1,614,044 alleles (0.0017%); highest among the groups gnomAD compares: Admixed American, 0.045%; no homozygotes.

Submission:

PreventionGenetics, part of Exact Sciences
Classification: Likely benign for NLRP2-related condition. Last evaluated: 2020-01-20. Review status: no assertion criteria provided. Collection method: clinical testing. Allele origin: germline.
Comment: This variant is classified as likely benign based on ACMG/AMP sequence variant interpretation guidelines (Richards et al. 2015 PMID: 25741868, with internal and published modifications).